The following is an entry in ClinVar:

ClinVar aggregate classification (germline): Uncertain significance. Review status: criteria provided, multiple submitters, no conflicts (2 of 4 stars). 2 submissions from 2 submitters: Uncertain significance (2). Last evaluated 2024-05-01.

Conditions:
Inborn genetic diseases. Identifiers: MedGen C0950123, MeSH D030342.

gnomAD v4.1: 1 of 1,547,690 alleles (0.000065%); highest among the groups gnomAD compares: Non-Finnish European, 0.000087%; no homozygotes.

Submissions (2):

Ambry Genetics
Classification: Uncertain significance for Inborn genetic diseases. Last evaluated: 2024-05-01. Review status: criteria provided, single submitter. Criteria: Ambry Variant Classification Scheme 2023. Collection method: clinical testing. Allele origin: germline.

Labcorp Genetics (formerly Invitae), Labcorp
Classification: Uncertain significance. Last evaluated: 2021-11-14. Review status: criteria provided, single submitter. Criteria: Invitae Variant Classification Sherloc (09022015). Collection method: clinical testing. Allele origin: germline.
Comment: This variant has not been reported in the literature in individuals affected with LRIT3-related conditions. ClinVar contains an entry for this variant (Variation ID: 1025965). Algorithms developed to predict the effect of missense changes on protein structure and function are either unavailable or do not agree on the potential impact of this missense change (SIFT: "Deleterious"; PolyPhen-2: "Benign"; Align-GVGD: "Class C0"). In summary, the available evidence is currently insufficient to determine the role of this variant in disease. Therefore, it has been classified as a Variant of Uncertain Significance. This sequence change replaces serine, which is neutral and polar, with phenylalanine, which is neutral and non-polar, at codon 190 of the LRIT3 protein (p.Ser190Phe). This variant is not present in population databases (gnomAD no frequency).

NM_198506.5(LRIT3):c.569C>T (p.Ser190Phe)

Gene: LRIT3 (leucine rich repeat, Ig-like and transmembrane domains 3; plus strand). Cytogenetic location: 4q25.
Variant type: single nucleotide variant.
Coding change: c.569C>T on transcript NM_198506.5 (MANE Select); coding-DNA position 569, C replaced by T.
Protein change: p.Ser190Phe; replaces serine 190 with phenylalanine.
Molecular consequence: missense variant.
Genome position (GRCh38, 1-based): chr4:109,851,956, C>T. VCF-style: chr4-109851956-C-T. GRCh37 (hg19) VCF-style: chr4-110773112-C-T.
Other names: c.434C>T (NM_198506.2); short protein forms S190F.
Identifiers: ClinVar variation 1025965 (VCV001025965.6), dbSNP rs1734284481, ClinGen allele CA357872524.